The following is an entry in ClinVar:

ClinVar aggregate classification (germline): Pathogenic (1 of 4 stars; one submission).

Conditions:
Juvenile polyposis syndrome (JPS). Identifiers: Orphanet 2929, MedGen C0345893, MONDO:0017380, OMIM 174900.

Submission:

Labcorp Genetics (formerly Invitae), Labcorp
Classification: Pathogenic for Juvenile polyposis syndrome. Last evaluated: 2024-05-19. Review status: criteria provided, single submitter. Criteria: Invitae Variant Classification Sherloc (09022015). Collection method: clinical testing. Allele origin: germline.
Comment: This sequence change creates a premature translational stop signal (p.Ser138*) in the SMAD4 gene. It is expected to result in an absent or disrupted protein product. Loss-of-function variants in SMAD4 are known to be pathogenic (PMID: 16152648, 16436638, 22810475). This variant is not present in population databases (gnomAD no frequency). This variant has not been reported in the literature in individuals affected with SMAD4-related conditions. For these reasons, this variant has been classified as Pathogenic.

Literature cited by the submitters: PubMed 16152648; PubMed 16436638; PubMed 22810475.

NM_005359.6(SMAD4):c.413C>A (p.Ser138Ter)

Gene: SMAD4 (SMAD family member 4; plus strand). Cytogenetic location: 18q21.2.
Variant type: single nucleotide variant.
Coding change: c.413C>A on transcript NM_005359.6 (MANE Select); coding-DNA position 413, C replaced by A.
Protein change: p.Ser138Ter; replaces serine 138 with a stop codon.
Molecular consequence: nonsense. On other transcripts: non-coding transcript variant (2).
Genome position (GRCh38, 1-based): chr18:51,048,849, C>A. VCF-style: chr18-51048849-C-A. GRCh37 (hg19) VCF-style: chr18-48575219-C-A.
Other names: c.413C>A, p.Ser138Ter (NM_001407041.1, NM_001407042.1, NM_001407043.1); short protein forms S138*.
Identifiers: ClinVar variation 3676633 (VCV003676633.2).